The following is an entry in ClinVar:

ClinVar aggregate classification (germline): Benign/Likely benign. Review status: criteria provided, multiple submitters, no conflicts (2 of 4 stars). 8 submissions from 8 submitters: Benign (6); Likely benign (2). Last evaluated 2026-09-17.

Conditions:
Immunoglobulin-mediated membranoproliferative glomerulonephritis. Also called: NEPHROTIC SYNDROME, TYPE 7, WITH MEMBRANOPROLIFERATIVE GLOMERULONEPHRITIS; Nephrotic syndrome, type 7. Identifiers: Orphanet 329903, MedGen C3554330, MONDO:0014005, OMIM 615008.
Mesangiocapillary glomerulonephritis. Also called: Membranoproliferative glomerulonephritis. Identifiers: MedGen C0017662, MONDO:0002461, HP:0000793.
Atypical hemolytic-uremic syndrome. Identifiers: Orphanet 2134, MedGen C2931788, MONDO:0016244.
Kidney disorder. Also called: Kidney disease; Kidney Diseases; renal disorder; renal disease; Nephropathy. Identifiers: MedGen C0022658, MONDO:0005240, HP:0000112.

Allele frequency attached by ClinVar (database versions not stated): ESP Exome Variant Server 0.00092; gnomAD 0.00312 and 0.00520; TOPMed 0.00472; gnomAD exomes 0.00943; ExAC 0.01039; 1000 Genomes Project 30x 0.02280; 1000 Genomes Project 0.02476.
gnomAD v4.1: 8,031 of 1,608,562 alleles (0.5%); highest among the groups gnomAD compares: East Asian, 10%; 310 homozygotes.

Submissions (8):

Genomenon, Inc
Classification: Benign for Primary membranoproliferative glomerulonephritis. Last evaluated: 2026-09-17. Review status: criteria provided, single submitter. Criteria: Genomenon Sequence Variant Interpretation Standards - Updated. Collection method: curation. Allele origin: germline. Affected: no.
Comment: DGKE c.798T>A is a synonymous variant that retains Leucine at codon 266. This variant is present at high allele frequency in population databases. We classify DGKE p.Leu266= (c.798T>A) as a benign variant.

Labcorp Genetics (formerly Invitae), Labcorp
Classification: Benign. Last evaluated: 2026-02-01. Review status: criteria provided, single submitter. Criteria: Invitae Variant Classification Sherloc (09022015). Collection method: clinical testing. Allele origin: germline.

Blueprint Genetics
Classification: Likely benign. Last evaluated: 2024-11-27. Review status: criteria provided, single submitter. Criteria: ACMG Guidelines, 2015. Collection method: clinical testing. Allele origin: germline.

Genome Diagnostics Laboratory, The Hospital for Sick Children
Classification: Benign for Kidney disorder. Last evaluated: 2022-04-21. Review status: criteria provided, single submitter. Criteria: ACMG Guidelines, 2015. Collection method: clinical testing. Allele origin: germline.

Mayo Clinic Laboratories, Mayo Clinic
Classification: Benign. Last evaluated: 2022-03-09. Review status: criteria provided, single submitter. Criteria: ACMG Guidelines, 2015. Collection method: clinical testing. Allele origin: germline. Observed: 50 variant alleles.

Fulgent Genetics
Classification: Likely benign for Immunoglobulin-mediated membranoproliferative glomerulonephritis. Last evaluated: 2021-07-21. Review status: criteria provided, single submitter. Criteria: ACMG Guidelines, 2015. Collection method: clinical testing. Allele origin: unknown.

GeneDx
Classification: Benign. Last evaluated: 2021-05-05. Review status: criteria provided, single submitter. Criteria: GeneDx Variant Classification Process June 2021. Collection method: clinical testing. Allele origin: germline. Affected: yes.

Breakthrough Genomics
Classification: Benign. Review status: criteria provided, single submitter. Criteria: ACMG Guidelines, 2015. Collection method: not provided. Allele origin: germline. Inheritance: Autosomal recessive inheritance. Affected: yes.

NM_003647.3(DGKE):c.798T>A (p.Leu266=)

Gene: DGKE (diacylglycerol kinase epsilon; plus strand). Cytogenetic location: 17q22.
Variant type: single nucleotide variant.
Coding change: c.798T>A on transcript NM_003647.3 (MANE Select); coding-DNA position 798, T replaced by A.
Protein change: p.Leu266=; no amino-acid change (leucine 266 retained).
Molecular consequence: synonymous variant.
Genome position (GRCh38, 1-based): chr17:56,847,975, T>A. VCF-style: chr17-56847975-T-A. GRCh37 (hg19) VCF-style: chr17-54925336-T-A.
Other names: p.Leu266=.
Identifiers: ClinVar variation 1220836 (VCV001220836.18), dbSNP rs61751970, ClinGen allele CA8663621.
Genomic context (GRCh38, chr17:56,847,975, plus strand): 5'-TTTCTAGGTTTTTGATGTAACTAAAACTCCTCCTATCAAAGCCCTACAACTCTGTACTCT[T>A]CTCCCATATTATTCAGCTCGAGTACTTGTTTGTGGAGGGGATGGGACTGTAGGGTGGGTC-3'
Protein context (NP_003638.1, residues 256-276): PPIKALQLCT[Leu266=]LPYYSARVLV